The following is an entry in ClinVar:

ClinVar aggregate classification (germline): Conflicting classifications of pathogenicity. Review status: criteria provided, conflicting classifications (1 of 4 stars). 9 submissions from 8 submitters: Uncertain significance (3); Benign (1); Likely benign (3). 2 of the submissions do not count toward it. Last evaluated 2026-01-22.

Conditions:
Joubert syndrome 24 (JBTS24). Identifiers: Orphanet 475, MedGen C4084841, MONDO:0014724, OMIM 616654.
Joubert syndrome. Also called: Familial aplasia of the vermis; JOUBERT-BOLTSHAUSER SYNDROME. Identifiers: Orphanet 475, MedGen C5979921, MONDO:0018772.
Meckel-Gruber syndrome. Also called: DYSENCEPHALIA SPLANCHNOCYSTICA; Dysencephalia splachnocystica; GRUBER SYNDROME. Identifiers: Orphanet 564, MedGen C0265215, MONDO:0018921.
Meckel syndrome, type 8. Identifiers: Orphanet 564, MedGen C3836857, MONDO:0013482, OMIM 613885.

Allele frequency attached by ClinVar (database versions not stated): 1000 Genomes Project 30x 0.00047; 1000 Genomes Project 0.00060; ESP Exome Variant Server 0.00085; TOPMed 0.00127; gnomAD 0.00143.
gnomAD v4.1: 1,058 of 1,614,180 alleles (0.066%); highest among the groups gnomAD compares: African/African-American, 0.39%; 1 homozygote.

Submissions (11):

Labcorp Genetics (formerly Invitae), Labcorp
Classification: Benign for Joubert syndrome; Meckel-Gruber syndrome. Last evaluated: 2026-01-22. Review status: criteria provided, single submitter. Criteria: Invitae Variant Classification Sherloc (09022015). Collection method: clinical testing. Allele origin: germline.

Blueprint Genetics
Classification: Likely benign. Last evaluated: 2024-11-14. Review status: criteria provided, single submitter. Criteria: ACMG Guidelines, 2015. Collection method: clinical testing. Allele origin: germline.

CeGaT Center for Human Genetics Tuebingen
Classification: Likely benign. Last evaluated: 2024-07-01. Review status: criteria provided, single submitter. Criteria: CeGaT Center For Human Genetics Tuebingen Variant Classification Criteria Version 2. Collection method: clinical testing. Allele origin: germline. Affected: yes. Observed: 2 variant alleles.
Comment: TCTN2: BP4, BP7

GeneDx
Classification: Uncertain significance. Last evaluated: 2021-05-05. Review status: criteria provided, single submitter. Criteria: GeneDx Variant Classification Process June 2021. Collection method: clinical testing. Allele origin: germline. Affected: yes.
Comment: Has not been previously published as pathogenic or benign to our knowledge; In silico analysis, which includes splice predictors and evolutionary conservation, suggests this variant may impact gene splicing. In the absence of RNA/functional studies, the actual effect of this sequence change is unknown.

Illumina Laboratory Services, Illumina
Classification: Uncertain significance for Joubert syndrome 24. Last evaluated: 2018-01-13. Review status: criteria provided, single submitter. Criteria: ICSL Variant Classification Criteria 13 December 2019. Collection method: clinical testing. Allele origin: germline.

Illumina Laboratory Services, Illumina
Classification: Uncertain significance for Meckel syndrome, type 8. Last evaluated: 2018-01-13. Review status: criteria provided, single submitter. Criteria: ICSL Variant Classification Criteria 13 December 2019. Collection method: clinical testing. Allele origin: germline.

Eurofins Ntd Llc (ga)
Classification: Likely benign. Last evaluated: 2015-06-05. Review status: criteria provided, single submitter. Criteria: EGL Classification Definitions 2015. Collection method: clinical testing. Allele origin: germline. Observed: 1 variant allele, 1 heterozygote.

Clinical Genetics DNA and cytogenetics Diagnostics Lab, Erasmus MC, Erasmus Medical Center
Classification: Likely benign. Review status: no assertion criteria provided. Collection method: clinical testing. Allele origin: germline. Affected: yes. Study: VKGL Data-share Consensus. Not counted in ClinVar's aggregate classification.

Dr. Peter K. Rogan Lab, Western University
No classification provided (evidence only). Condition: Lung cancer. Review status: no classification provided. Collection method: in vitro. Allele origin: not applicable. Functional consequence: retained intron. Not counted in ClinVar's aggregate classification.

Dr. Peter K. Rogan Lab, Western University
No classification provided (evidence only). Condition: Sarcoma. Review status: no classification provided. Collection method: in vitro. Allele origin: not applicable. Functional consequence: retained intron. Not counted in ClinVar's aggregate classification.

Genome Diagnostics Laboratory, University Medical Center Utrecht
Classification: Likely benign. Review status: no assertion criteria provided. Collection method: clinical testing. Allele origin: germline. Affected: yes. Study: VKGL Data-share Consensus. Not counted in ClinVar's aggregate classification.

NM_024809.5(TCTN2):c.615C>T (p.Gly205=)

Gene: TCTN2 (tectonic family member 2; plus strand). Cytogenetic location: 12q24.31.
Variant type: single nucleotide variant.
Coding change: c.615C>T on transcript NM_024809.5 (MANE Select); coding-DNA position 615, C replaced by T.
Protein change: p.Gly205=; no amino-acid change (glycine 205 retained).
Molecular consequence: synonymous variant.
Genome position (GRCh38, 1-based): chr12:123,686,886, C>T. VCF-style: chr12-123686886-C-T. GRCh37 (hg19) VCF-style: chr12-124171433-C-T.
Other names: c.612C>T, p.Gly204= (NM_001143850.3).
Identifiers: ClinVar variation 198262 (VCV000198262.42), dbSNP rs147485641, ClinGen allele CA203333.
Genomic context (GRCh38, chr12:123,686,886, plus strand): 5'-TGTCTTCCAGGAATGCTCATCAAATTTAACAACGCTGTTCAGACGGTCCTGCTTCACCGG[C>T]GTGTTTGGAGGAGACGTCAATCCTCCTTTTGATCAGCTCTGCTCTGCTGGGACGACGACA-3'
Protein context (NP_079085.2, residues 195-215): TTLFRRSCFT[Gly205=]VFGGDVNPPF